The following is an entry in ClinVar:

ClinVar aggregate classification (germline): Uncertain significance. Review status: criteria provided, multiple submitters, no conflicts (2 of 4 stars). 7 submissions from 7 submitters: Uncertain significance (5). 2 of the submissions do not count toward it. Last evaluated 2025-12-09.

Conditions:
Hereditary cancer-predisposing syndrome. Also called: Hereditary neoplastic syndrome; Neoplastic Syndromes, Hereditary; Hereditary Cancer Syndrome; Tumor predisposition. Identifiers: Orphanet 140162, MedGen C0027672, MeSH D009386, MONDO:0015356.
Hereditary breast ovarian cancer syndrome. Also called: Hereditary breast and ovarian cancer syndrome; Hereditary breast and/or ovarian cancer syndrome; Hereditary breast and ovarian cancer; Hereditary breast and ovarian cancer syndrome (HBOC); Breast and ovarian cancer; BRCA1- and BRCA2-Associated Hereditary Breast and Ovarian Cancer. Identifiers: Orphanet 145, MedGen C0677776, MeSH D061325, MONDO:0003582. Disease mechanism: loss of function.
Familial cancer of breast. Also called: BREAST CANCER, FAMILIAL; Hereditary breast cancer; hereditary breast carcinoma. Identifiers: Orphanet 227535, MedGen C0346153, MONDO:0016419, OMIM 114480. Disease mechanism: loss of function.
Ataxia-telangiectasia syndrome (AT). Also called: ATAXIA-TELANGIECTASIA, COMPLEMENTATION GROUP A; Ataxia telangiectasia (A-T); Ataxia-telangiectasia; Ataxia-telangiectasia, complementation group D; AT, COMPLEMENTATION GROUP C; ATAXIA-TELANGIECTASIA, FRESNO VARIANT. Identifiers: Orphanet 100, MedGen C0004135, MONDO:0008840, OMIM 208900.

Allele frequency attached by ClinVar (database versions not stated): gnomAD exomes 0.00001.
gnomAD v4.1: 13 of 1,613,372 alleles (0.00081%); highest among the groups gnomAD compares: East Asian, 0.029%; no homozygotes.

Submissions (7):

Labcorp Genetics (formerly Invitae), Labcorp
Classification: Uncertain significance for Ataxia-telangiectasia syndrome. Last evaluated: 2025-12-09. Review status: criteria provided, single submitter. Criteria: Invitae Variant Classification Sherloc (09022015). Collection method: clinical testing. Allele origin: germline.
Comment: This sequence change replaces alanine, which is neutral and non-polar, with valine, which is neutral and non-polar, at codon 1812 of the ATM protein (p.Ala1812Val). This variant is present in population databases (rs199885813, gnomAD 0.006%). This missense change has been observed in individual(s) with breast cancer and/or colorectal cancer (PMID: 28135145, 30287823, 35218119). ClinVar contains an entry for this variant (Variation ID: 230134). Invitae Evidence Modeling of protein sequence and biophysical properties (such as structural, functional, and spatial information, amino acid conservation, physicochemical variation, residue mobility, and thermodynamic stability) indicates that this missense variant is not expected to disrupt ATM protein function with a negative predictive value of 95%. In summary, the available evidence is currently insufficient to determine the role of this variant in disease. Therefore, it has been classified as a Variant of Uncertain Significance.

Ambry Genetics
Classification: Uncertain significance for Hereditary cancer-predisposing syndrome. Last evaluated: 2025-08-27. Review status: criteria provided, single submitter. Criteria: Ambry Variant Classification Scheme 2023. Collection method: clinical testing. Allele origin: germline.
Comment: The p.A1812V variant (also known as c.5435C>T), located in coding exon 35 of the ATM gene, results from a C to T substitution at nucleotide position 5435. The alanine at codon 1812 is replaced by valine, an amino acid with similar properties. This amino acid position is not well conserved in available vertebrate species. In addition, this alteration is predicted to be tolerated by in silico analysis. Based on the available evidence, the clinical significance of this variant remains unclear.

Baylor Genetics
Classification: Uncertain significance for Familial cancer of breast. Last evaluated: 2023-11-11. Review status: criteria provided, single submitter. Criteria: ACMG Guidelines, 2015. Collection method: clinical testing. Allele origin: unknown.

Color Diagnostics, LLC DBA Color Health
Classification: Uncertain significance for Hereditary cancer-predisposing syndrome. Last evaluated: 2020-04-07. Review status: criteria provided, single submitter. Criteria: ACMG Guidelines, 2015. Collection method: clinical testing. Allele origin: germline.
Comment: This missense variant replaces alanine with valine at codon 1812 of the ATM protein. Computational prediction suggests that this variant may not impact protein structure and function (internally defined REVEL score threshold <= 0.5, PMID: 27666373). Splice site prediction tools suggest that this variant may not impact RNA splicing. To our knowledge, functional studies have not been reported for this variant. This variant has been reported in individuals affected with breast cancer and colorectal cancer in the literature, but also in unaffected controls (PMID: 28135145, 30287823). This variant has been identified in 2/251084 chromosomes in the general population by the Genome Aggregation Database (gnomAD). The available evidence is insufficient to determine the role of this variant in disease conclusively. Therefore, this variant is classified as a Variant of Uncertain Significance.

Cancer Genomics Group, Japanese Foundation For Cancer Research
Classification: Uncertain significance for Hereditary breast and ovarian cancer syndrome. Last evaluated: 2019-05-01. Review status: criteria provided, single submitter. Criteria: ACMG Guidelines, 2015. Collection method: research. Allele origin: germline. Affected: yes.

Natera, Inc.
Classification: Uncertain significance for Ataxia-telangiectasia. Last evaluated: 2021-02-19. Review status: no assertion criteria provided. Collection method: clinical testing. Allele origin: germline. Not counted in ClinVar's aggregate classification.

Counsyl
Classification: Uncertain significance for Ataxia-telangiectasia syndrome. Last evaluated: 2018-05-16. Review status: no assertion criteria provided. Collection method: clinical testing. Allele origin: unknown. Not counted in ClinVar's aggregate classification.

Literature cited by the submitters: PubMed 28135145 (cited by Labcorp Genetics (formerly Invitae), Labcorp); PubMed 30287823 (cited by Labcorp Genetics (formerly Invitae), Labcorp and Ambry Genetics); PubMed 35218119 (cited by Labcorp Genetics (formerly Invitae), Labcorp).

NM_000051.4(ATM):c.5435C>T (p.Ala1812Val)

Gene: ATM (ATM serine/threonine kinase; plus strand). Cytogenetic location: 11q22.3.
Variant type: single nucleotide variant.
Coding change: c.5435C>T on transcript NM_000051.4 (MANE Select); coding-DNA position 5435, C replaced by T.
Protein change: p.Ala1812Val; replaces alanine 1812 with valine.
Molecular consequence: missense variant.
Genome position (GRCh38, 1-based): chr11:108,302,968, C>T. VCF-style: chr11-108302968-C-T. GRCh37 (hg19) VCF-style: chr11-108173695-C-T.
Other names: c.5435C>T, p.Ala1812Val (NM_001351834.2); short protein forms A1812V.
Identifiers: ClinVar variation 230134 (VCV000230134.26), dbSNP rs199885813, ClinGen allele CA10579181.